The following is an entry in ClinVar:

ClinVar aggregate classification (germline): Uncertain significance (1 of 4 stars; one submission).

Conditions:
Fanconi anemia complementation group O. Also called: RAD51C-Related Fanconi Anemia. Identifiers: Orphanet 84, MedGen C3150653, MONDO:0013248, OMIM 613390.

Submission:

Labcorp Genetics (formerly Invitae), Labcorp
Classification: Uncertain significance for Fanconi anemia complementation group O. Last evaluated: 2021-09-15. Review status: criteria provided, single submitter. Criteria: Invitae Variant Classification Sherloc (09022015). Collection method: clinical testing. Allele origin: germline.
Comment: This variant has not been reported in the literature in individuals affected with RAD51C-related conditions. Algorithms developed to predict the effect of missense changes on protein structure and function output the following: SIFT: "Tolerated"; PolyPhen-2: "Benign"; Align-GVGD: "Class C0". The threonine amino acid residue is found in multiple mammalian species, which suggests that this missense change does not adversely affect protein function. In summary, the available evidence is currently insufficient to determine the role of this variant in disease. Therefore, it has been classified as a Variant of Uncertain Significance. This variant is not present in population databases (ExAC no frequency). This sequence change replaces proline with threonine at codon 73 of the RAD51C protein (p.Pro73Thr). The proline residue is moderately conserved and there is a small physicochemical difference between proline and threonine.

NM_058216.3(RAD51C):c.217C>A (p.Pro73Thr)

Gene: RAD51C (RAD51 paralog C; plus strand). Cytogenetic location: 17q22.
Variant type: single nucleotide variant.
Coding change: c.217C>A on transcript NM_058216.3 (MANE Select); coding-DNA position 217, C replaced by A.
Protein change: p.Pro73Thr; replaces proline 73 with threonine.
Molecular consequence: missense variant. On other transcripts: non-coding transcript variant (2).
Genome position (GRCh38, 1-based): chr17:58,695,002, C>A. VCF-style: chr17-58695002-C-A. GRCh37 (hg19) VCF-style: chr17-56772363-C-A.
Other names: c.217C>A, p.Pro73Thr (NM_002876.4); short protein forms P73T.
Identifiers: ClinVar variation 1381116 (VCV001381116.6), dbSNP rs1555593541, ClinGen allele CA400340126.